The following is an entry in ClinVar:

NM_002335.4(LRP5):c.893G>T (p.Arg298Leu)

Gene: LRP5 (LDL receptor related protein 5; plus strand). Cytogenetic location: 11q13.2.
Variant type: single nucleotide variant.
Coding change: c.893G>T on transcript NM_002335.4 (MANE Select); coding-DNA position 893, G replaced by T.
Protein change: p.Arg298Leu; replaces arginine 298 with leucine.
Molecular consequence: missense variant. On other transcripts: 5 prime UTR variant (1).
Genome position (GRCh38, 1-based): chr11:68,365,580, G>T. VCF-style: chr11-68365580-G-T. GRCh37 (hg19) VCF-style: chr11-68133048-G-T.
Other names: c.-873G>T (NM_001291902.2); short protein forms R298L.
Identifiers: ClinVar variation 2877328 (VCV002877328.4), dbSNP rs1008957697, ClinGen allele CA381611359.
Genomic context (GRCh38, chr11:68,365,580, plus strand): 5'-AGTGACGGTCCTCTTCTGGAACCTTCTCTCACTCTGTCCTGGTTTTCTCAGTCCACACTC[G>T]CTGTGAGGAGGACAATGGCGGCTGCTCCCACCTGTGCCTGCTGTCCCCAAGCGAGCCTTT-3'
Protein context (NP_002326.2, residues 288-308): SQERQPFFHT[Arg298Leu]CEEDNGGCSH

ClinVar aggregate classification (germline): Uncertain significance. Review status: criteria provided, multiple submitters, no conflicts (2 of 4 stars). 2 submissions from 2 submitters: Uncertain significance (2). Last evaluated 2025-01-23.

Conditions:
Bone mineral density quantitative trait locus 1 (BMND1). Identifiers: MedGen C1866079, OMIM 601884.
Worth disease. Also called: ENDOSTEAL HYPEROSTOSIS, AUTOSOMAL DOMINANT; OSTEOSCLEROSIS, AUTOSOMAL DOMINANT; Autosomal dominant osteosclerosis, Worth type. Identifiers: Orphanet 2790, MedGen C0432273, MONDO:0007764, OMIM 144750.
Osteoporosis with pseudoglioma (OPPG). Also called: osteoporosis-pseudoglioma syndrome. Identifiers: Orphanet 2788, MedGen C0432252, MONDO:0009820, OMIM 259770.
Polycystic liver disease 4 with or without kidney cysts. Identifiers: MedGen C4693479, MONDO:0044327, OMIM 617875.
Exudative vitreoretinopathy 4 (EVR4). Identifiers: Orphanet 891, MedGen C1866176, MONDO:0011151, OMIM 601813.
Autosomal dominant osteopetrosis 1 (OPTA1). Also called: OSTEOPETROSIS, AUTOSOMAL DOMINANT, TYPE I. Identifiers: Orphanet 2783, MedGen C1843330, MONDO:0011877, OMIM 607634.

gnomAD v4.1: 3 of 1,613,918 alleles (0.00019%); highest among the groups gnomAD compares: Admixed American, 0.0033%; no homozygotes.

Submissions (2):

Labcorp Genetics (formerly Invitae), Labcorp
Classification: Uncertain significance. Last evaluated: 2025-01-23. Review status: criteria provided, single submitter. Criteria: Invitae Variant Classification Sherloc (09022015). Collection method: clinical testing. Allele origin: germline.
Comment: This sequence change replaces arginine, which is basic and polar, with leucine, which is neutral and non-polar, at codon 298 of the LRP5 protein (p.Arg298Leu). This variant is present in population databases (no rsID available, gnomAD 0.01%). This variant has not been reported in the literature in individuals affected with LRP5-related conditions. ClinVar contains an entry for this variant (Variation ID: 2877328). Invitae Evidence Modeling of protein sequence and biophysical properties (such as structural, functional, and spatial information, amino acid conservation, physicochemical variation, residue mobility, and thermodynamic stability) indicates that this missense variant is not expected to disrupt LRP5 protein function with a negative predictive value of 95%. In summary, the available evidence is currently insufficient to determine the role of this variant in disease. Therefore, it has been classified as a Variant of Uncertain Significance.

Fulgent Genetics
Classification: Uncertain significance for Worth disease; Osteoporosis with pseudoglioma; Exudative vitreoretinopathy 4; Bone mineral density quantitative trait locus 1; Autosomal dominant osteopetrosis 1; Polycystic liver disease 4 with or without kidney cysts. Last evaluated: 2024-02-06. Review status: criteria provided, single submitter. Criteria: ACMG Guidelines, 2015. Collection method: clinical testing. Allele origin: germline.